The following is an entry in ClinVar:

NM_001384732.1(CPLANE1):c.2563C>T (p.Gln855Ter)

Gene: CPLANE1 (ciliogenesis and planar polarity effector complex subunit 1; minus strand). Cytogenetic location: 5p13.2.
Variant type: single nucleotide variant.
Coding change: c.2563C>T on transcript NM_001384732.1 (MANE Select); coding-DNA position 2563, C replaced by T.
Protein change: p.Gln855Ter; replaces glutamine 855 with a stop codon.
Molecular consequence: nonsense.
Genome position (GRCh38, 1-based): chr5:37,224,271, G>A on the plus strand (C>T on the coding strand, the complement: CPLANE1 is on the minus strand). VCF-style: chr5-37224271-G-A. GRCh37 (hg19) VCF-style: chr5-37224373-G-A.
Other names: c.2563C>T, p.Gln855Ter (NM_023073.4); short protein forms Q855*.
Identifiers: ClinVar variation 1334387 (VCV001334387.8), dbSNP rs1285358729, ClinGen allele CA359491943.

ClinVar aggregate classification (germline): Pathogenic/Likely pathogenic. Review status: criteria provided, multiple submitters, no conflicts (2 of 4 stars). 2 submissions from 2 submitters: Pathogenic (1); Likely pathogenic (1). Last evaluated 2022-01-05.

Conditions:
Joubert syndrome 17 (JBTS17). Identifiers: Orphanet 475, MedGen C3553264, MONDO:0013824, OMIM 614615.

Allele frequency attached by ClinVar (database versions not stated): gnomAD 0.00001.
gnomAD v4.1: 2 of 1,548,048 alleles (0.00013%); highest among the groups gnomAD compares: Non-Finnish European, 0.00017%; no homozygotes.

Submissions (2):

Dasa
Classification: Likely pathogenic for Joubert syndrome 17. Last evaluated: 2022-01-05. Review status: criteria provided, single submitter. Criteria: ACMG Guidelines, 2015. Collection method: clinical testing. Allele origin: germline. Affected: yes. Observed: 1 variant allele.
Comment: The variant creates a premature translational stop signal c.2563C>T;p.(Gln855*) in CPLANE1 gene. It is expected to result in an absent or disrupted protein product - PVS1.This variant is not present in population databases (rs1285358729, gnomAD; ABraOM no frequency) - PM2_supporting. In summary, the currently available evidence indicates that the variant is likely pathogenic.

Labcorp Genetics (formerly Invitae), Labcorp
Classification: Pathogenic. Last evaluated: 2021-12-30. Review status: criteria provided, single submitter. Criteria: Invitae Variant Classification Sherloc (09022015). Collection method: clinical testing. Allele origin: germline.
Comment: This variant has not been reported in the literature in individuals affected with CPLANE1-related conditions. This sequence change creates a premature translational stop signal (p.Gln855*) in the CPLANE1 gene. It is expected to result in an absent or disrupted protein product. Loss-of-function variants in CPLANE1 are known to be pathogenic (PMID: 24178751, 26092869). This variant is present in population databases (no rsID available, gnomAD 0.007%). For these reasons, this variant has been classified as Pathogenic.

Literature cited by the submitters: PubMed 24178751 (cited by Labcorp Genetics (formerly Invitae), Labcorp); PubMed 26092869 (cited by Labcorp Genetics (formerly Invitae), Labcorp).